The following is an entry in ClinVar:

NM_001127208.3(TET2):c.5706_5726del (p.Tyr1902_Glu1909delinsTer)

Genes: TET2 (tet methylcytosine dioxygenase 2; plus strand), TET2-AS1 (TET2 antisense RNA 1; minus strand). Cytogenetic location: 4q24.
Variant type: Deletion.
Coding change: c.5706_5726del on transcript NM_001127208.3 (MANE Select); coding-DNA positions 5706 to 5726, 21 bases deleted (CCAGCATAAGAGCATGAATGA).
Protein change: p.Tyr1902_Glu1909delinsTer.
Molecular consequence: nonsense.
Genome position (GRCh38, 1-based): chr4:105,276,216-105,276,236, CCAGCATAAGAGCATGAATGA deleted; deleting any 21 consecutive bases within chr4:105,276,215-105,276,236 gives the same sequence; the c. name uses the placement nearest the transcript's 3' end. VCF-style (leftmost placement, unchanged base first): chr4-105276214-TACCAGCATAAGAGCATGAATG-T. GRCh37 (hg19) VCF-style: chr4-106197371-TACCAGCATAAGAGCATGAATG-T.
Identifiers: ClinVar variation 2840063 (VCV002840063.3), dbSNP rs2476754175, ClinGen allele CA2739270189.
Genomic context (GRCh38, chr4:105,276,214, plus strand): 5'-GCCACAACCCCTTTAAAGAATCCCAATAGGAATCACCCCACCAGGATCTCCCTCGTCTTT[TACCAGCATAAGAGCATGAATG>T]AGCCAAAACATGGCTTGGCTCTTTGGGAAGCCAAAATGGCTGAAAAAGCCCGTGAGAAAG-3'

ClinVar aggregate classification (germline): Uncertain significance (1 of 4 stars; one submission).

Submission:

Labcorp Genetics (formerly Invitae), Labcorp
Classification: Uncertain significance. Last evaluated: 2023-02-22. Review status: criteria provided, single submitter. Criteria: Invitae Variant Classification Sherloc (09022015). Collection method: clinical testing. Allele origin: germline.
Comment: This sequence change creates a premature translational stop signal (p.Tyr1902*) in the TET2 gene. While this is not anticipated to result in nonsense mediated decay, it is expected to disrupt the last 101 amino acid(s) of the TET2 protein. This variant is not present in population databases (gnomAD no frequency). This variant has not been reported in the literature in individuals affected with TET2-related conditions. In summary, the available evidence is currently insufficient to determine the role of this variant in disease. Therefore, it has been classified as a Variant of Uncertain Significance.